The following is an entry in ClinVar:

ClinVar aggregate classification (germline): Benign (1 of 4 stars; one submission).

Conditions:
Sessile serrated polyposis cancer syndrome (SSPCS). Identifiers: Orphanet 157798, MedGen C4310714, MONDO:0014919, OMIM 617108.

gnomAD v4.1: 6 of 1,608,872 alleles (0.00037%); highest among the groups gnomAD compares: South Asian, 0.0066%; no homozygotes.

Submission:

Myriad Genetics, Inc.
Classification: Benign for Sessile serrated polyposis cancer syndrome. Last evaluated: 2026-06-30. Review status: criteria provided, single submitter. Criteria: Myriad Autosomal Dominant, Autosomal Recessive and X-Linked Classification Criteria (2023). Collection method: clinical testing. Allele origin: unknown.
Comment: This variant is considered benign. This variant is a silent/synonymous amino acid change and it is not expected to impact splicing.

NM_017763.6(RNF43):c.684G>A (p.Arg228=)

Gene: RNF43 (ring finger protein 43; minus strand). Cytogenetic location: 17q22.
Variant type: single nucleotide variant.
Coding change: c.684G>A on transcript NM_017763.6 (MANE Select); coding-DNA position 684, G replaced by A.
Protein change: p.Arg228=; no amino-acid change (arginine 228 retained).
Molecular consequence: synonymous variant.
Genome position (GRCh38, 1-based): chr17:58,362,547, C>T on the plus strand (G>A on the coding strand, the complement: RNF43 is on the minus strand). VCF-style: chr17-58362547-C-T. GRCh37 (hg19) VCF-style: chr17-56439908-C-T.
Other names: c.684G>A, p.Arg228= (NM_001305544.3, NM_001438820.1, NM_001438821.1 and 1 more transcripts); c.303G>A, p.Arg101= (NM_001305545.2, NM_001437987.1).
Identifiers: ClinVar variation 4876209 (VCV004876209.1).
Genomic context (GRCh38, chr17:58,362,547, plus strand): 5'-CCACCCACCCACACACACGCACACGTTCACCGCCGCCAAAGACCCCACACTGCTCACCGG[C>T]CTGCTGTGGCGGGGGCGGCACCGGATGCGCAGCACCGAAGCCAGGATGATCACAAAGATG-3'
Protein context (NP_060233.3, residues 218-238): LRIRCRPRHS[Arg228=]PDPLQQRTAW